The following is an entry in ClinVar:

NM_001378454.1(ALMS1):c.754G>C (p.Ala252Pro)

Gene: ALMS1 (ALMS1 centrosome and basal body associated protein; plus strand). Cytogenetic location: 2p13.1.
Variant type: single nucleotide variant.
Coding change: c.754G>C on transcript NM_001378454.1 (MANE Select); coding-DNA position 754, G replaced by C.
Protein change: p.Ala252Pro; replaces alanine 252 with proline.
Molecular consequence: missense variant.
Genome position (GRCh38, 1-based): chr2:73,422,964, G>C. VCF-style: chr2-73422964-G-C. GRCh37 (hg19) VCF-style: chr2-73650092-G-C.
Other names: c.757G>C, p.Ala253Pro (NM_015120.4); short protein forms A252P, A253P.
Identifiers: ClinVar variation 3226631 (VCV003226631.1), dbSNP rs2466043683, ClinGen allele CA347260271.

ClinVar aggregate classification (germline): Uncertain significance (1 of 4 stars; one submission).

Conditions:
Cardiovascular phenotype. Identifiers: MedGen CN230736.

Submission:

Ambry Genetics
Classification: Uncertain significance for Cardiovascular phenotype. Last evaluated: 2023-11-01. Review status: criteria provided, single submitter. Criteria: Ambry Variant Classification Scheme 2023. Collection method: clinical testing. Allele origin: germline.
Comment: The p.A253P variant (also known as c.757G>C), located in coding exon 4 of the ALMS1 gene, results from a G to C substitution at nucleotide position 757. The alanine at codon 253 is replaced by proline, an amino acid with highly similar properties. This amino acid position is well conserved in available vertebrate species. In addition, the in silico prediction for this alteration is inconclusive. Since supporting evidence is limited at this time, the clinical significance of this alteration remains unclear.